The following is an entry in ClinVar:

NM_024675.4(PALB2):c.2058G>C (p.Arg686Ser)

Gene: PALB2 (partner and localizer of BRCA2; minus strand). Cytogenetic location: 16p12.2.
Variant type: single nucleotide variant.
Coding change: c.2058G>C on transcript NM_024675.4 (MANE Select); coding-DNA position 2058, G replaced by C.
Protein change: p.Arg686Ser; replaces arginine 686 with serine.
Molecular consequence: missense variant.
Genome position (GRCh38, 1-based): chr16:23,630,096, C>G on the plus strand (G>C on the coding strand, the complement: PALB2 is on the minus strand). VCF-style: chr16-23630096-C-G. GRCh37 (hg19) VCF-style: chr16-23641417-C-G.
Other names: c.1998G>C, p.Arg666Ser (NM_001407296.1); c.2058G>C, p.Arg686Ser (NM_001407297.1, NM_001407298.1, NM_001407299.1 and 3 more transcripts); c.1173G>C, p.Arg391Ser (NM_001407304.1, NM_001407305.1, NM_001407306.1 and 5 more transcripts); c.270G>C, p.Arg90Ser (NM_001407312.1, NM_001407313.1); short protein forms R391S, R666S, R686S, R90S.
Identifiers: ClinVar variation 2429692 (VCV002429692.2), dbSNP rs771376636, ClinGen allele CA395126761.

ClinVar aggregate classification (germline): Conflicting classifications of pathogenicity. Review status: criteria provided, conflicting classifications (1 of 4 stars). 2 submissions from 2 submitters: Uncertain significance (1); Likely benign (1). Last evaluated 2024-03-05.

Conditions:
Hereditary cancer-predisposing syndrome. Also called: Neoplastic Syndromes, Hereditary; Hereditary neoplastic syndrome; Hereditary Cancer Syndrome; Tumor predisposition. Identifiers: Orphanet 140162, MedGen C0027672, MeSH D009386, MONDO:0015356.

Submissions (2):

Ambry Genetics
Classification: Likely benign for Hereditary cancer-predisposing syndrome. Last evaluated: 2024-03-05. Review status: criteria provided, single submitter. Criteria: Ambry Variant Classification Scheme 2023. Collection method: clinical testing. Allele origin: germline.

GeneDx
Classification: Uncertain significance. Last evaluated: 2022-08-10. Review status: criteria provided, single submitter. Criteria: GeneDx Variant Classification Process June 2021. Collection method: clinical testing. Allele origin: germline. Affected: yes.
Comment: Not observed at significant frequency in large population cohorts (gnomAD); In silico analysis supports that this missense variant does not alter protein structure/function; Has not been previously published as pathogenic or benign to our knowledge; This variant is associated with the following publications: (PMID: 22941656)